The following is an entry in ClinVar:

ClinVar aggregate classification (germline): Uncertain significance (1 of 4 stars; one submission).

Allele frequency attached by ClinVar (database versions not stated): gnomAD exomes below 0.00001.
gnomAD v4.1: 2 of 1,614,022 alleles (0.00012%); highest among the groups gnomAD compares: Admixed American, 0.0033%; no homozygotes.

Submission:

Labcorp Genetics (formerly Invitae), Labcorp
Classification: Uncertain significance. Last evaluated: 2023-03-02. Review status: criteria provided, single submitter. Criteria: Invitae Variant Classification Sherloc (09022015). Collection method: clinical testing. Allele origin: germline.
Comment: In summary, the available evidence is currently insufficient to determine the role of this variant in disease. Therefore, it has been classified as a Variant of Uncertain Significance. Advanced modeling of protein sequence and biophysical properties (such as structural, functional, and spatial information, amino acid conservation, physicochemical variation, residue mobility, and thermodynamic stability) performed at Invitae indicates that this missense variant is not expected to disrupt PCK1 protein function. This variant has not been reported in the literature in individuals affected with PCK1-related conditions. This variant is present in population databases (no rsID available, gnomAD 0.003%). This sequence change replaces arginine, which is basic and polar, with lysine, which is basic and polar, at codon 461 of the PCK1 protein (p.Arg461Lys).

NM_002591.4(PCK1):c.1382G>A (p.Arg461Lys)

Gene: PCK1 (phosphoenolpyruvate carboxykinase 1; plus strand). Cytogenetic location: 20q13.31.
Variant type: single nucleotide variant.
Coding change: c.1382G>A on transcript NM_002591.4 (MANE Select); coding-DNA position 1382, G replaced by A.
Protein change: p.Arg461Lys; replaces arginine 461 with lysine.
Molecular consequence: missense variant.
Genome position (GRCh38, 1-based): chr20:57,565,103, G>A. VCF-style: chr20-57565103-G-A. GRCh37 (hg19) VCF-style: chr20-56140159-G-A.
Other names: short protein forms R461K.
Identifiers: ClinVar variation 2918548 (VCV002918548.3), dbSNP rs1348451524, ClinGen allele CA409437029.